The following is an entry in ClinVar:

ClinVar aggregate classification (germline): Uncertain significance. Review status: criteria provided, multiple submitters, no conflicts (2 of 4 stars). 3 submissions from 3 submitters: Uncertain significance (3). Last evaluated 2023-12-13.

Conditions:
Epidermolysis bullosa simplex with nail dystrophy (EBS5D). Identifiers: MedGen C4225309, MONDO:0014661, OMIM 616487.
Epidermolysis bullosa simplex, Ogna type (EBS5A). Also called: Pidermolysis bullosa simplex 5A, Ogna type; EPIDERMOLYSIS BULLOSA SIMPLEX 5A, OGNA TYPE. Identifiers: Orphanet 79401, MedGen C0432317, MONDO:0007555, OMIM 131950.
Autosomal recessive limb-girdle muscular dystrophy type 2Q (LGMDR17). Also called: MUSCULAR DYSTROPHY, LIMB-GIRDLE, AUTOSOMAL RECESSIVE 17. Identifiers: Orphanet 254361, MedGen C3150989, MONDO:0013390, OMIM 613723.
Epidermolysis bullosa simplex 5C, with pyloric atresia (EBS5C). Also called: PLEC-Related Epidermolysis Bullosa with Pyloric Atresia; Epidermolysis bullosa simplex with pyloric atresia; PLEC1-Related Epidermolysis Bullosa with Pyloric Atresia. Identifiers: Orphanet 158684, MedGen C2677349, MONDO:0012807, OMIM 612138.
Epidermolysis bullosa simplex 5B, with muscular dystrophy (EBS5B). Also called: EPIDERMOLYSIS BULLOSA SIMPLEX AND LIMB-GIRDLE MUSCULAR DYSTROPHY; Epidermolysis bullosa simplex with muscular dystrophy. Identifiers: Orphanet 257, MedGen C2931072, MONDO:0009181, OMIM 226670.
Inborn genetic diseases. Identifiers: MedGen C0950123, MeSH D030342.

Allele frequency attached by ClinVar (database versions not stated): gnomAD exomes below 0.00001; gnomAD 0.00001; TOPMed 0.00001; ExAC 0.00002.
gnomAD v4.1: 18 of 1,594,372 alleles (0.0011%); highest among the groups gnomAD compares: East Asian, 0.0045%; no homozygotes.

Submissions (3):

Ambry Genetics
Classification: Uncertain significance for Inborn genetic diseases. Last evaluated: 2023-12-13. Review status: criteria provided, single submitter. Criteria: Ambry Variant Classification Scheme 2023. Collection method: clinical testing. Allele origin: germline.

Labcorp Genetics (formerly Invitae), Labcorp
Classification: Uncertain significance for Autosomal recessive limb-girdle muscular dystrophy type 2Q; Epidermolysis bullosa simplex, Ogna type; Epidermolysis bullosa simplex with nail dystrophy; Epidermolysis bullosa simplex 5C, with pyloric atresia; Epidermolysis bullosa simplex 5B, with muscular dystrophy. Last evaluated: 2021-08-27. Review status: criteria provided, single submitter. Criteria: Invitae Variant Classification Sherloc (09022015). Collection method: clinical testing. Allele origin: germline.
Comment: This sequence change replaces proline with leucine at codon 1146 of the PLEC protein (p.Pro1146Leu). The proline residue is highly conserved and there is a moderate physicochemical difference between proline and leucine. This variant is present in population databases (rs782567448, ExAC 0.07%). This variant has not been reported in the literature in individuals affected with PLEC-related conditions. Algorithms developed to predict the effect of missense changes on protein structure and function (SIFT, PolyPhen-2, Align-GVGD) all suggest that this variant is likely to be disruptive. In summary, the available evidence is currently insufficient to determine the role of this variant in disease. Therefore, it has been classified as a Variant of Uncertain Significance.

Athena Diagnostics
Classification: Uncertain significance. Last evaluated: 2018-01-25. Review status: criteria provided, single submitter. Criteria: Athena Diagnostics Criteria. Collection method: clinical testing. Allele origin: germline.

NM_201384.3(PLEC):c.3356C>T (p.Pro1119Leu)

Gene: PLEC (plectin; minus strand). Cytogenetic location: 8q24.3.
Variant type: single nucleotide variant.
Coding change: c.3356C>T on transcript NM_201384.3 (MANE Select); coding-DNA position 3356, C replaced by T.
Protein change: p.Pro1119Leu; replaces proline 1119 with leucine.
Molecular consequence: missense variant.
Genome position (GRCh38, 1-based): chr8:143,927,897, G>A on the plus strand (C>T on the coding strand, the complement: PLEC is on the minus strand). VCF-style: chr8-143927897-G-A. GRCh37 (hg19) VCF-style: chr8-145002065-G-A.
Other names: c.3437C>T, p.Pro1146Leu (NM_000445.5); c.3314C>T, p.Pro1105Leu (NM_201378.4); c.3290C>T, p.Pro1097Leu (NM_201379.3); c.3767C>T, p.Pro1256Leu (NM_201380.4); c.3260C>T, p.Pro1087Leu (NM_201381.3); c.3356C>T, p.Pro1119Leu (NM_201382.4); c.3368C>T, p.Pro1123Leu (NM_201383.3); short protein forms P1105L, P1256L, P1087L, P1119L, P1123L, P1097L, P1146L.
Identifiers: ClinVar variation 471574 (VCV000471574.6), dbSNP rs782567448, ClinGen allele CA4927115.